The following is an entry in ClinVar:

NM_024598.4(USB1):c.173A>T (p.Glu58Val)

Gene: USB1 (U6 snRNA biogenesis phosphodiesterase 1; plus strand). Cytogenetic location: 16q21.
Variant type: single nucleotide variant.
Coding change: c.173A>T on transcript NM_024598.4 (MANE Select); coding-DNA position 173, A replaced by T.
Protein change: p.Glu58Val; replaces glutamic acid 58 with valine.
Molecular consequence: missense variant.
Genome position (GRCh38, 1-based): chr16:58,002,553, A>T. VCF-style: chr16-58002553-A-T. GRCh37 (hg19) VCF-style: chr16-58036457-A-T.
Other names: c.173A>T, p.Glu58Val (NM_001195302.2, NM_001204911.2, NM_001330569.2); c.20A>T, p.Glu7Val (NM_001330568.2); short protein forms E7V, E58V.
Identifiers: ClinVar variation 3813863 (VCV003813863.1).

ClinVar aggregate classification (germline): Uncertain significance (1 of 4 stars; one submission).

Conditions:
Inborn genetic diseases. Identifiers: MedGen C0950123, MeSH D030342.

gnomAD v4.1: 7 of 1,613,980 alleles (0.00043%); highest among the groups gnomAD compares: African/African-American, 0.0093%; no homozygotes.

Submission:

Ambry Genetics
Classification: Uncertain significance for Inborn genetic diseases. Last evaluated: 2024-12-21. Review status: criteria provided, single submitter. Criteria: Ambry Variant Classification Scheme 2023. Collection method: clinical testing. Allele origin: germline.
Comment: The p.E58V variant (also known as c.173A>T), located in coding exon 2 of the USB1 gene, results from an A to T substitution at nucleotide position 173. The glutamic acid at codon 58 is replaced by valine, an amino acid with dissimilar properties. This amino acid position is conserved. In addition, this alteration is predicted to be tolerated by in silico analysis. Based on the available evidence, the clinical significance of this variant remains unclear.